The following is an entry in ClinVar:

ClinVar aggregate classification (germline): Uncertain significance (1 of 4 stars; one submission).

Conditions:
Maple syrup urine disease (MSUD). Identifiers: Orphanet 511, MedGen C0024776, MeSH D008375, MONDO:0009563. Disease mechanism: loss of function.

Submission:

Labcorp Genetics (formerly Invitae), Labcorp
Classification: Uncertain significance for Maple syrup urine disease. Last evaluated: 2024-05-29. Review status: criteria provided, single submitter. Criteria: Invitae Variant Classification Sherloc (09022015). Collection method: clinical testing. Allele origin: germline.
Comment: This variant, c.612_614del, results in the deletion of 1 amino acid(s) of the DBT protein (p.Ile205del), but otherwise preserves the integrity of the reading frame. This variant is not present in population databases (gnomAD no frequency). This variant has not been reported in the literature in individuals affected with DBT-related conditions. Experimental studies and prediction algorithms are not available or were not evaluated, and the functional significance of this variant is currently unknown. In summary, the available evidence is currently insufficient to determine the role of this variant in disease. Therefore, it has been classified as a Variant of Uncertain Significance.

NM_001918.5(DBT):c.612_614del (p.Ile205del)

Gene: DBT (dihydrolipoamide branched chain transacylase E2; minus strand). Cytogenetic location: 1p21.2.
Variant type: Deletion.
Coding change: c.612_614del on transcript NM_001918.5 (MANE Select); coding-DNA positions 612 to 614, 3 bases deleted (TAT; older notation c.612_614delTAT).
Protein change: p.Ile205del; deletes isoleucine 205.
Molecular consequence: non-coding transcript variant (on NR_174363.1).
Genome position (GRCh38, 1-based): chr1:100,216,141-100,216,143, ATA deleted on the plus strand (TAT on the coding strand, the reverse complement: DBT is on the minus strand). VCF-style (leftmost placement, unchanged base first): chr1-100216140-GATA-G. GRCh37 (hg19) VCF-style: chr1-100681696-GATA-G.
Other names: c.69_71del, p.Ile24del (NM_001399969.1, NM_001399972.1); short protein forms I24del, I205del.
Identifiers: ClinVar variation 3668885 (VCV003668885.2).
Genomic context (GRCh38, chr1:100,216,140, plus strand): 5'-AATTTCAACTTTGGGTGAAGGAGGCAATATAGCTCCTGTCTGCTTTTCCAAATAGTTGAG[GATA>G]TCTTCTTTAAGTATTCTGCCATCTTTTCCTGAGCCAACAACTTCACTCAGCTTAATCTAA-3'